The following is an entry in ClinVar:

NM_001378454.1(ALMS1):c.2291A>G (p.Tyr764Cys)

Gene: ALMS1 (ALMS1 centrosome and basal body associated protein; plus strand). Cytogenetic location: 2p13.1.
Variant type: single nucleotide variant.
Coding change: c.2291A>G on transcript NM_001378454.1 (MANE Select); coding-DNA position 2291, A replaced by G.
Protein change: p.Tyr764Cys; replaces tyrosine 764 with cysteine.
Molecular consequence: missense variant.
Genome position (GRCh38, 1-based): chr2:73,448,818, A>G. VCF-style: chr2-73448818-A-G. GRCh37 (hg19) VCF-style: chr2-73675945-A-G.
Other names: c.2294A>G, p.Tyr765Cys (NM_015120.4); short protein forms Y764C, Y765C.
Identifiers: ClinVar variation 2201875 (VCV002201875.1), dbSNP rs2466094197, ClinGen allele CA347267569.

ClinVar aggregate classification (germline): Uncertain significance (1 of 4 stars; one submission).

Conditions:
Alstrom syndrome (ALMS). Identifiers: Orphanet 64, MedGen C0268425, MONDO:0008763, OMIM 203800.

Allele frequency attached by ClinVar (database versions not stated): gnomAD exomes below 0.00001.
gnomAD v4.1: 1 of 1,613,904 alleles (0.000062%); highest among the groups gnomAD compares: Middle Eastern, 0.017%; no homozygotes.

Submission:

Labcorp Genetics (formerly Invitae), Labcorp
Classification: Uncertain significance for Alstrom syndrome. Last evaluated: 2022-02-23. Review status: criteria provided, single submitter. Criteria: Invitae Variant Classification Sherloc (09022015). Collection method: clinical testing. Allele origin: germline.
Comment: This sequence change replaces tyrosine, which is neutral and polar, with cysteine, which is neutral and slightly polar, at codon 765 of the ALMS1 protein (p.Tyr765Cys). This variant is not present in population databases (gnomAD no frequency). This variant has not been reported in the literature in individuals affected with ALMS1-related conditions. Experimental studies and prediction algorithms are not available or were not evaluated, and the functional significance of this variant is currently unknown. In summary, the available evidence is currently insufficient to determine the role of this variant in disease. Therefore, it has been classified as a Variant of Uncertain Significance.